The following is an entry in ClinVar:

ClinVar aggregate classification (germline): Benign/Likely benign. Review status: criteria provided, multiple submitters, no conflicts (2 of 4 stars). 6 submissions from 5 submitters: Benign (4); Likely benign (2). Last evaluated 2026-02-02.

Conditions:
Retinitis pigmentosa 39 (RP39). Identifiers: Orphanet 791, MedGen C3151138, MONDO:0013436, OMIM 613809.
Usher syndrome type 2A. Also called: RETINAL DISEASE IN USHER SYNDROME TYPE IIA, MODIFIER OF; USHER SYNDROME, TYPE IIA. Identifiers: Orphanet 231178, Orphanet 886, MedGen C1848634, MONDO:0010169, OMIM 276901.

Submissions (6):

Labcorp Genetics (formerly Invitae), Labcorp
Classification: Benign. Last evaluated: 2026-02-02. Review status: criteria provided, single submitter. Criteria: Invitae Variant Classification Sherloc (09022015). Collection method: clinical testing. Allele origin: germline.

Genome-Nilou Lab
Classification: Likely benign for Retinitis pigmentosa 39. Last evaluated: 2023-04-11. Review status: criteria provided, single submitter. Criteria: ACMG Guidelines, 2015. Collection method: clinical testing. Allele origin: germline. Affected: no.

Genome-Nilou Lab
Classification: Likely benign for Usher syndrome type 2A. Last evaluated: 2023-04-11. Review status: criteria provided, single submitter. Criteria: ACMG Guidelines, 2015. Collection method: clinical testing. Allele origin: germline. Affected: no.

GeneDx
Classification: Benign. Last evaluated: 2018-03-01. Review status: criteria provided, single submitter. Criteria: GeneDx Variant Classification (06012015). Collection method: clinical testing. Allele origin: germline. Affected: yes.
Comment: This variant is considered likely benign or benign based on one or more of the following criteria: it is a conservative change, it occurs at a poorly conserved position in the protein, it is predicted to be benign by multiple in silico algorithms, and/or has population frequency not consistent with disease.

Laboratory for Molecular Medicine, Mass General Brigham Personalized Medicine
Classification: Benign. Last evaluated: 2015-05-17. Review status: criteria provided, single submitter. Criteria: LMM Criteria. Collection method: clinical testing. Allele origin: germline. Observed: 2 variant alleles.
Comment: 4252-16_4252-13delCTTT in Intron 19 of USH2A: This variant is not expected to h ave clinical significance because it does not alter the splice consensus sequenc e and it has been identified in 10.9% (466/4264) African American chromosomes by the NHLBI Exome Sequencing Project.

PreventionGenetics, part of Exact Sciences
Classification: Benign. Review status: criteria provided, single submitter. Criteria: ACMG Guidelines, 2015. Collection method: clinical testing. Allele origin: germline.

NM_206933.4(USH2A):c.4252-36CTTT[5]

Gene: USH2A (usherin; minus strand). Cytogenetic location: 1q41.
Variant type: Microsatellite.
Coding change: c.4252-36CTTT[5] on transcript NM_206933.4 (MANE Select); five copies in a row of the 4-base unit CTTT starting at c.4252-36; the reference has six copies in a row; one copy, 4 bases deleted.
Molecular consequence: intron variant.
Genome position (GRCh38, 1-based): chr1:216,190,380-216,190,383, AAAG deleted on the plus strand (CTTT on the coding strand, the reverse complement: USH2A is on the minus strand); deleting any 4 consecutive bases within chr1:216,190,380-216,190,404 gives the same sequence; the position shown is the placement nearest the transcript's 3' end. VCF-style (leftmost placement, unchanged base first): chr1-216190379-AAAAG-A. GRCh37 (hg19) VCF-style: chr1-216363721-AAAAG-A.
Other names: c.4252-36CTTT[5] (NM_007123.6).
Identifiers: ClinVar variation 178671 (VCV000178671.21), dbSNP rs372388546, ClinGen allele CA182761.